The following is an entry in ClinVar:

NM_003244.4(TGIF1):c.16+1642T>C

Gene: TGIF1 (TGFB induced factor homeobox 1; plus strand). Cytogenetic location: 18p11.31.
Variant type: single nucleotide variant.
Coding change: c.16+1642T>C on transcript NM_003244.4 (MANE Select); 1642 bases into the intron after coding-DNA position 16, T replaced by C.
Molecular consequence: intron variant. On other transcripts: 5 prime UTR variant (1).
Genome position (GRCh38, 1-based): chr18:3,452,147, T>C. VCF-style: chr18-3452147-T-C. GRCh37 (hg19) VCF-style: chr18-3452145-T-C.
Other names: c.-280T>C (NM_170695.5); c.-44-4207T>C (NM_174886.3, NM_001278686.3); c.59-4207T>C (NM_173207.4); c.-45+3608T>C (NM_001374396.1); c.25+2491T>C (NM_001278682.2); c.16+1642T>C (NM_173208.3, NM_001278684.2); c.-45+2077T>C (NM_173209.3); c.-45+372T>C (NM_173210.4); and 1 more.
Identifiers: ClinVar variation 3054681 (VCV003054681.2), dbSNP rs1387503723, ClinGen allele CA502810834.

ClinVar aggregate classification (germline): Likely benign (0 of 4 stars; one submission).

Conditions:
TGIF1-related disorder. Also called: TGIF1-related condition.

Allele frequency attached by ClinVar (database versions not stated): TOPMed below 0.00001; gnomAD 0.00001.
gnomAD v4.1: 17 of 1,613,658 alleles (0.0011%); highest among the groups gnomAD compares: African/African-American, 0.0013%; no homozygotes.

Submission:

PreventionGenetics, part of Exact Sciences
Classification: Likely benign for TGIF1-related condition. Last evaluated: 2020-12-29. Review status: no assertion criteria provided. Collection method: clinical testing. Allele origin: germline.
Comment: This variant is classified as likely benign based on ACMG/AMP sequence variant interpretation guidelines (Richards et al. 2015 PMID: 25741868, with internal and published modifications).